The following is an entry in ClinVar:

NM_001267550.2(TTN):c.106817A>G (p.His35606Arg)

Genes: TTN (titin; minus strand), TTN-AS1 (TTN antisense RNA 1; plus strand). Cytogenetic location: 2q31.2.
Variant type: single nucleotide variant.
Coding change: c.106817A>G on transcript NM_001267550.2 (MANE Select); coding-DNA position 106817, A replaced by G.
Protein change: p.His35606Arg; replaces histidine 35606 with arginine.
Molecular consequence: missense variant.
Genome position (GRCh38, 1-based): chr2:178,528,934, T>C on the plus strand (A>G on the coding strand, the complement: TTN is on the minus strand). VCF-style: chr2-178528934-T-C. GRCh37 (hg19) VCF-style: chr2-179393661-T-C.
Other names: c.101894A>G, p.His33965Arg (NM_001256850.1); c.79622A>G, p.His26541Arg (NM_003319.4); c.99113A>G, p.His33038Arg (NM_133378.4); c.79997A>G, p.His26666Arg (NM_133432.3); c.80198A>G, p.His26733Arg (NM_133437.4); short protein forms H33965R, H26733R, H33038R, H35606R, H26666R, H26541R.
Identifiers: ClinVar variation 4992742 (VCV004992742.1).

ClinVar aggregate classification (germline): Uncertain significance (1 of 4 stars; one submission).

Conditions:
TTN-related disorder. Also called: TTN-related disorders; TTN-related condition; TTN-related disease.

Submission:

PreventionGenetics, part of Exact Sciences
Classification: Uncertain significance for TTN-related condition. Last evaluated: 2026-02-16. Review status: criteria provided, single submitter. Criteria: ACMG Guidelines, 2015. Collection method: clinical testing. Allele origin: germline.
Comment: The TTN c.106817A>G variant is predicted to result in the amino acid substitution p.His35606Arg. To our knowledge, this variant has not been reported in the literature or in a large population database (gnomAD), indicating this variant is rare. At this time, the clinical significance of this variant is uncertain due to the absence of conclusive functional and genetic evidence.